The following is an entry in ClinVar:

ClinVar aggregate classification (germline): Pathogenic (1 of 4 stars; one submission).

Allele frequency attached by ClinVar (database versions not stated): gnomAD exomes below 0.00001.
gnomAD v4.1: 1 of 1,609,058 alleles (0.000062%); highest among the groups gnomAD compares: Non-Finnish European, 0.000085%; no homozygotes.

Submission:

Labcorp Genetics (formerly Invitae), Labcorp
Classification: Pathogenic. Last evaluated: 2023-07-26. Review status: criteria provided, single submitter. Criteria: Invitae Variant Classification Sherloc (09022015). Collection method: clinical testing. Allele origin: germline.
Comment: This sequence change creates a premature translational stop signal (p.Gln98*) in the PROSC gene. It is expected to result in an absent or disrupted protein product. Loss-of-function variants in PROSC are known to be pathogenic (PMID: 27912044). This variant is not present in population databases (gnomAD no frequency). This variant has not been reported in the literature in individuals affected with PROSC-related conditions. For these reasons, this variant has been classified as Pathogenic.

Literature cited by the submitters: PubMed 27912044.

NM_007198.4(PLPBP):c.292C>T (p.Gln98Ter)

Gene: PLPBP (pyridoxal phosphate binding protein; plus strand). Cytogenetic location: 8p11.23.
Variant type: single nucleotide variant.
Coding change: c.292C>T on transcript NM_007198.4 (MANE Select); coding-DNA position 292, C replaced by T.
Protein change: p.Gln98Ter; replaces glutamine 98 with a stop codon.
Molecular consequence: nonsense.
Genome position (GRCh38, 1-based): chr8:37,766,328, C>T. VCF-style: chr8-37766328-C-T. GRCh37 (hg19) VCF-style: chr8-37623846-C-T.
Other names: c.292C>T, p.Gln98Ter (NM_001349346.2); c.286C>T, p.Gln96Ter (NM_001349347.2); c.136C>T, p.Gln46Ter (NM_001349348.2); c.397C>T, p.Gln133Ter (NM_001349349.1); short protein forms Q46*, Q96*, Q98*, Q133*.
Identifiers: ClinVar variation 2745421 (VCV002745421.3), dbSNP rs2487371953, ClinGen allele CA370667025.
Genomic context (GRCh38, chr8:37,766,328, plus strand): 5'-TTTTCCCCTCAGATTCTGTCTTTGTGTCCTGAGATCAAATGGCACTTCATTGGCCACCTA[C>T]AGAAACAAAATGTCAACAAATTGATGGGTAAGATAAAATTAAATATGAAAACAAAATTGT-3'